The following is an entry in ClinVar:

ClinVar aggregate classification (germline): Uncertain significance. Review status: criteria provided, multiple submitters, no conflicts (2 of 4 stars). 5 submissions from 5 submitters: Uncertain significance (4). 1 of the submissions does not count toward it. Last evaluated 2024-12-07.

Conditions:
Neuronal ceroid lipofuscinosis. Also called: Neuronal Ceroid Lipofuscinoses. Identifiers: Orphanet 216, Orphanet 79263, MedGen C0027877, MONDO:0016295. Disease mechanism: loss of function.
Neuronal ceroid lipofuscinosis 8 (CLN8). Also called: CLN8-Related Neuronal Ceroid-Lipofuscinosis. Identifiers: Orphanet 168491, Orphanet 228354, Orphanet 79264, MedGen C1838570, MONDO:0010830, OMIM 600143.
Inborn genetic diseases. Identifiers: MedGen C0950123, MeSH D030342.
Neuronal ceroid lipofuscinosis 8 northern epilepsy variant. Also called: EPILEPSY, PROGRESSIVE, WITH MENTAL RETARDATION; NORTHERN EPILEPSY. Identifiers: Orphanet 1947, MedGen C1864923, MONDO:0012391, OMIM 610003.

Allele frequency attached by ClinVar (database versions not stated): gnomAD 0.00001; gnomAD exomes 0.00001 and 0.00003; ExAC 0.00002; TOPMed 0.00004.
gnomAD v4.1: 9 of 1,613,840 alleles (0.00056%); highest among the groups gnomAD compares: Admixed American, 0.013%; no homozygotes.

Submissions (5):

Ambry Genetics
Classification: Uncertain significance for Inborn genetic diseases. Last evaluated: 2024-12-07. Review status: criteria provided, single submitter. Criteria: Ambry Variant Classification Scheme 2023. Collection method: clinical testing. Allele origin: germline.

Fulgent Genetics
Classification: Uncertain significance for Neuronal ceroid lipofuscinosis 8; Neuronal ceroid lipofuscinosis 8 northern epilepsy variant. Last evaluated: 2021-09-03. Review status: criteria provided, single submitter. Criteria: ACMG Guidelines, 2015. Collection method: clinical testing. Allele origin: unknown.

Labcorp Genetics (formerly Invitae), Labcorp
Classification: Uncertain significance for Neuronal ceroid lipofuscinosis. Last evaluated: 2021-08-26. Review status: criteria provided, single submitter. Criteria: Invitae Variant Classification Sherloc (09022015). Collection method: clinical testing. Allele origin: germline.
Comment: This sequence change replaces aspartic acid with glycine at codon 6 of the CLN8 protein (p.Asp6Gly). The aspartic acid residue is moderately conserved and there is a moderate physicochemical difference between aspartic acid and glycine. This variant is present in population databases (rs536738656, ExAC 0.02%). This variant has not been reported in the literature in individuals affected with CLN8-related conditions. ClinVar contains an entry for this variant (Variation ID: 205200). Algorithms developed to predict the effect of missense changes on protein structure and function output the following: SIFT: "Tolerated"; PolyPhen-2: "Benign"; Align-GVGD: "Class C0". The glycine amino acid residue is found in multiple mammalian species, which suggests that this missense change does not adversely affect protein function. Algorithms developed to predict the effect of sequence changes on RNA splicing suggest that this variant may create or strengthen a splice site. In summary, the available evidence is currently insufficient to determine the role of this variant in disease. Therefore, it has been classified as a Variant of Uncertain Significance.

GeneDx
Classification: Uncertain significance. Last evaluated: 2019-11-04. Review status: criteria provided, single submitter. Criteria: GeneDx Variant Classification Process June 2021. Collection method: clinical testing. Allele origin: germline. Affected: yes.
Comment: Not observed at a significant frequency in large population cohorts (Lek et al., 2016); In silico analysis, which includes protein predictors and evolutionary conservation, supports that this variant does not alter protein structure/function; Has not been previously published as pathogenic or benign to our knowledge

Natera, Inc.
Classification: Uncertain significance for Neuronal ceroid lipofuscinosis 8. Last evaluated: 2021-03-18. Review status: no assertion criteria provided. Collection method: clinical testing. Allele origin: germline. Not counted in ClinVar's aggregate classification.

NM_018941.4(CLN8):c.17A>G (p.Asp6Gly)

Gene: CLN8 (CLN8 transmembrane ER and ERGIC protein; plus strand). Cytogenetic location: 8p23.3.
Variant type: single nucleotide variant.
Coding change: c.17A>G on transcript NM_018941.4 (MANE Select); coding-DNA position 17, A replaced by G.
Protein change: p.Asp6Gly; replaces aspartic acid 6 with glycine.
Molecular consequence: missense variant.
Genome position (GRCh38, 1-based): chr8:1,771,071, A>G. VCF-style: chr8-1771071-A-G. GRCh37 (hg19) VCF-style: chr8-1719237-A-G.
Other names: p.D6G:GAT>GGT; short protein forms D6G.
Identifiers: ClinVar variation 205200 (VCV000205200.10), dbSNP rs536738656, ClinGen allele CA314032.